The following is an entry in ClinVar:

NM_000443.4(ABCB4):c.459T>C (p.Phe153=)

Gene: ABCB4 (ATP binding cassette subfamily B member 4; minus strand). Cytogenetic location: 7q21.12.
Variant type: single nucleotide variant.
Coding change: c.459T>C on transcript NM_000443.4 (MANE Select); coding-DNA position 459, T replaced by C.
Protein change: p.Phe153=; no amino-acid change (phenylalanine 153 retained).
Molecular consequence: synonymous variant.
Genome position (GRCh38, 1-based): chr7:87,453,021, A>G on the plus strand (T>C on the coding strand, the complement: ABCB4 is on the minus strand). VCF-style: chr7-87453021-A-G. GRCh37 (hg19) VCF-style: chr7-87082337-A-G.
Other names: p.Phe153=; c.459T>C, p.Phe153= (NM_018849.3, NM_018850.3).
Identifiers: ClinVar variation 256165 (VCV000256165.17), dbSNP rs2230027, ClinGen allele CA4327537.

ClinVar aggregate classification (germline): Benign. Review status: criteria provided, multiple submitters, no conflicts (2 of 4 stars). 8 submissions from 7 submitters: Benign (8). Last evaluated 2026-04-14.

Conditions:
Familial intrahepatic cholestasis. Identifiers: Orphanet 284385, MedGen CN296401, MONDO:0017290.
Low phospholipid associated cholelithiasis (GBD1). Also called: Gallstone cholecystitis; Gallbladder disease 1. Identifiers: Orphanet 69663, MedGen C2609268, MONDO:0010939, OMIM 600803.
Cholestasis, intrahepatic, of pregnancy, 3. Identifiers: Orphanet 69665, MedGen C3554241, MONDO:0013995, OMIM 614972.
Progressive familial intrahepatic cholestasis type 3. Also called: Low Gamma-GT Familial Intrahepatic Cholestasis; MDR3 DEFICIENCY. Identifiers: Orphanet 79305, MedGen C1865643, MONDO:0011214, OMIM 602347.

Allele frequency attached by ClinVar (database versions not stated): gnomAD exomes 0.00153 and 0.00411; ExAC 0.00525; gnomAD 0.01532 and 0.01640; 1000 Genomes Project 30x 0.01624; 1000 Genomes Project 0.01637; TOPMed 0.01677; ESP Exome Variant Server 0.01722.
gnomAD v4.1: 4,643 of 1,614,072 alleles (0.29%); highest among the groups gnomAD compares: African/African-American, 5.2%; 121 homozygotes.

Submissions (8):

Genomenon, Inc
Classification: Benign for Familial intrahepatic cholestasis; Low phospholipid associated cholelithiasis. Last evaluated: 2026-04-14. Review status: criteria provided, single submitter. Criteria: Genomenon Sequence Variant Interpretation Standards - Updated. Collection method: curation. Allele origin: germline. Affected: no.
Comment: ABCB4 c.459T>C is a synonymous variant that retains Phenylalanine at residue 153. This variant is present at high allele frequency in population databases. We classify ABCB4 p.Phe153= (c.459T>C) as a benign variant.

Labcorp Genetics (formerly Invitae), Labcorp
Classification: Benign. Last evaluated: 2026-02-02. Review status: criteria provided, single submitter. Criteria: Invitae Variant Classification Sherloc (09022015). Collection method: clinical testing. Allele origin: germline.

Mayo Clinic Laboratories, Mayo Clinic
Classification: Benign. Last evaluated: 2021-12-12. Review status: criteria provided, single submitter. Criteria: ACMG Guidelines, 2015. Collection method: clinical testing. Allele origin: germline. Observed: 13 variant alleles.

Illumina Laboratory Services, Illumina
Classification: Benign for Progressive familial intrahepatic cholestasis type 3. Last evaluated: 2018-01-13. Review status: criteria provided, single submitter. Criteria: ICSL Variant Classification Criteria 13 December 2019. Collection method: clinical testing. Allele origin: germline.
Comment: This variant was observed in the ICSL laboratory as part of a predisposition screen in an ostensibly healthy population. It had not been previously curated by ICSL or reported in the Human Gene Mutation Database (HGMD: prior to June 1st, 2018), and was therefore a candidate for classification through an automated scoring system. Utilizing variant allele frequency, disease prevalence and penetrance estimates, and inheritance mode, an automated score was calculated to assess if this variant is too frequent to cause the disease. Based on the score and internal cut-off values, a variant classified as benign is not then subjected to further curation. The score for this variant resulted in a classification of benign for this disease.

Illumina Laboratory Services, Illumina
Classification: Benign for Cholestasis, intrahepatic, of pregnancy, 3. Last evaluated: 2018-01-13. Review status: criteria provided, single submitter. Criteria: ICSL Variant Classification Criteria 13 December 2019. Collection method: clinical testing. Allele origin: germline.
Comment: the same text as in the submission from Illumina Laboratory Services, Illumina above.

GeneDx
Classification: Benign. Last evaluated: 2016-03-17. Review status: criteria provided, single submitter. Criteria: GeneDx Variant Classification (06012015). Collection method: clinical testing. Allele origin: germline. Affected: yes.
Comment: This variant is considered likely benign or benign based on one or more of the following criteria: it is a conservative change, it occurs at a poorly conserved position in the protein, it is predicted to be benign by multiple in silico algorithms, and/or has population frequency not consistent with disease.

Breakthrough Genomics
Classification: Benign. Review status: criteria provided, single submitter. Criteria: ACMG Guidelines, 2015. Collection method: not provided. Allele origin: germline. Inheritance: Autosomal recessive inheritance. Affected: yes.

PreventionGenetics, part of Exact Sciences
Classification: Benign. Review status: criteria provided, single submitter. Criteria: ACMG Guidelines, 2015. Collection method: clinical testing. Allele origin: germline.